The following is an entry in ClinVar:

NM_017672.6(TRPM7):c.2848G>A (p.Ala950Thr)

Gene: TRPM7 (transient receptor potential cation channel subfamily M member 7; minus strand). Cytogenetic location: 15q21.2.
Variant type: single nucleotide variant.
Coding change: c.2848G>A on transcript NM_017672.6 (MANE Select); coding-DNA position 2848, G replaced by A.
Protein change: p.Ala950Thr; replaces alanine 950 with threonine.
Molecular consequence: missense variant. On other transcripts: non-coding transcript variant (3).
Genome position (GRCh38, 1-based): chr15:50,605,006, C>T on the plus strand (G>A on the coding strand, the complement: TRPM7 is on the minus strand). VCF-style: chr15-50605006-C-T. GRCh37 (hg19) VCF-style: chr15-50897203-C-T.
Other names: c.2848G>A, p.Ala950Thr (NM_001301212.2); short protein forms A950T.
Identifiers: ClinVar variation 2719133 (VCV002719133.3), dbSNP rs2059884164, ClinGen allele CA392406595.

ClinVar aggregate classification (germline): Uncertain significance (1 of 4 stars; one submission).

Allele frequency attached by ClinVar (database versions not stated): TOPMed below 0.00001; gnomAD 0.00001; gnomAD exomes 0.00001.

Submission:

Labcorp Genetics (formerly Invitae), Labcorp
Classification: Uncertain significance. Last evaluated: 2023-06-19. Review status: criteria provided, single submitter. Criteria: Invitae Variant Classification Sherloc (09022015). Collection method: clinical testing. Allele origin: germline.
Comment: This variant is not present in population databases (gnomAD no frequency). In summary, the available evidence is currently insufficient to determine the role of this variant in disease. Therefore, it has been classified as a Variant of Uncertain Significance. An algorithm developed to predict the effect of missense changes on protein structure and function (PolyPhen-2) suggests that this variant is likely to be tolerated. This variant has not been reported in the literature in individuals affected with TRPM7-related conditions. This sequence change replaces alanine, which is neutral and non-polar, with threonine, which is neutral and polar, at codon 950 of the TRPM7 protein (p.Ala950Thr).